The following is an entry in ClinVar:

NM_003673.4(TCAP):c.169T>C (p.Cys57Arg)

Gene: TCAP (titin-cap; plus strand). Cytogenetic location: 17q12.
Variant type: single nucleotide variant.
Coding change: c.169T>C on transcript NM_003673.4 (MANE Select); coding-DNA position 169, T replaced by C.
Protein change: p.Cys57Arg; replaces cysteine 57 with arginine.
Molecular consequence: missense variant.
Genome position (GRCh38, 1-based): chr17:39,665,774, T>C. VCF-style: chr17-39665774-T-C. GRCh37 (hg19) VCF-style: chr17-37822027-T-C.
Other names: short protein forms C57R.
Identifiers: ClinVar variation 284026 (VCV000284026.19), dbSNP rs886042772, ClinGen allele CA10604666.

ClinVar aggregate classification (germline): Uncertain significance. Review status: criteria provided, multiple submitters, no conflicts (2 of 4 stars). 4 submissions from 4 submitters: Uncertain significance (4). Last evaluated 2024-10-18.

Conditions:
Cardiovascular phenotype. Identifiers: MedGen CN230736.
Primary familial hypertrophic cardiomyopathy (HCM). Identifiers: Orphanet 99739, MedGen C0949658, MeSH D024741, MONDO:0024573. Inheritance: Various modes of inheritance.
Hypertrophic cardiomyopathy 25 (CMH25). Also called: CARDIOMYOPATHY, FAMILIAL HYPERTROPHIC, 25. Identifiers: MedGen C4225408, MONDO:0011843, OMIM 607487.

Allele frequency attached by ClinVar (database versions not stated): gnomAD exomes 0.00001; TOPMed 0.00002.
gnomAD v4.1: 4 of 1,609,762 alleles (0.00025%); highest among the groups gnomAD compares: Non-Finnish European, 0.00034%; no homozygotes.

Submissions (4):

Labcorp Genetics (formerly Invitae), Labcorp
Classification: Uncertain significance for Hypertrophic cardiomyopathy 25; Primary familial hypertrophic cardiomyopathy. Last evaluated: 2024-10-18. Review status: criteria provided, single submitter. Criteria: Invitae Variant Classification Sherloc (09022015). Collection method: clinical testing. Allele origin: germline.
Comment: This sequence change replaces cysteine, which is neutral and slightly polar, with arginine, which is basic and polar, at codon 57 of the TCAP protein (p.Cys57Arg). This variant is not present in population databases (gnomAD no frequency). This variant has not been reported in the literature in individuals affected with TCAP-related conditions. ClinVar contains an entry for this variant (Variation ID: 284026). An algorithm developed to predict the effect of missense changes on protein structure and function (PolyPhen-2) suggests that this variant is likely to be disruptive. In summary, the available evidence is currently insufficient to determine the role of this variant in disease. Therefore, it has been classified as a Variant of Uncertain Significance.

Ambry Genetics
Classification: Uncertain significance for Cardiovascular phenotype. Last evaluated: 2024-01-31. Review status: criteria provided, single submitter. Criteria: Ambry Variant Classification Scheme 2023. Collection method: clinical testing. Allele origin: germline.
Comment: The p.C57R variant (also known as c.169T>C), located in coding exon 2 of the TCAP gene, results from a T to C substitution at nucleotide position 169. The cysteine at codon 57 is replaced by arginine, an amino acid with highly dissimilar properties. This amino acid position is conserved. In addition, the in silico prediction for this alteration is inconclusive. Based on the available evidence, the clinical significance of this alteration remains unclear.

Revvity Omics, Revvity
Classification: Uncertain significance. Last evaluated: 2020-10-19. Review status: criteria provided, single submitter. Criteria: ACMG Guidelines, 2015. Collection method: clinical testing. Allele origin: germline.

Eurofins Ntd Llc (ga)
Classification: Uncertain significance. Last evaluated: 2015-10-14. Review status: criteria provided, single submitter. Criteria: EGL Classification Definitions 2015. Collection method: clinical testing. Allele origin: germline. Observed: 1 variant allele, 1 heterozygote.